The following is an entry in ClinVar:

ClinVar aggregate classification (germline): Uncertain significance. Review status: criteria provided, multiple submitters, no conflicts (2 of 4 stars). 2 submissions from 2 submitters: Uncertain significance (2). Last evaluated 2026-08-10.

Conditions:
Hereditary pancreatitis (PCTT). Also called: Hereditary chronic pancreatitis; PRSS1-Related Hereditary Pancreatitis. Identifiers: Orphanet 676, MedGen C0238339, MONDO:0008185, OMIM 167800.

gnomAD v4.1: 45 of 1,614,110 alleles (0.0028%); highest among the groups gnomAD compares: South Asian, 0.041%; no homozygotes.

Submissions (2):

Ambry Genetics
Classification: Uncertain significance for Hereditary pancreatitis. Last evaluated: 2026-08-10. Review status: criteria provided, single submitter. Criteria: Ambry Variant Classification Scheme 2023. Collection method: clinical testing. Allele origin: germline.
Comment: The p.D260N variant (also known as c.778G>A), located in coding exon 7 of the CTRC gene, results from a G to A substitution at nucleotide position 778. The aspartic acid at codon 260 is replaced by asparagine, an amino acid with highly similar properties. Functional studies suggest this variant has the function similar to WT; however, the physiological relevance of these findings are unclear (Beer S et al. Gut, 2013 Nov;62:1616-24). This amino acid position is well conserved in available vertebrate species. In addition, this alteration is predicted to be tolerated by in silico analysis. Based on the available evidence, the clinical significance of this variant remains unclear.

Labcorp Genetics (formerly Invitae), Labcorp
Classification: Uncertain significance for Hereditary pancreatitis. Last evaluated: 2024-11-22. Review status: criteria provided, single submitter. Criteria: Invitae Variant Classification Sherloc (09022015). Collection method: clinical testing. Allele origin: germline.
Comment: This sequence change replaces aspartic acid, which is acidic and polar, with asparagine, which is neutral and polar, at codon 260 of the CTRC protein (p.Asp260Asn). This variant is present in population databases (rs540753875, gnomAD 0.04%), and has an allele count higher than expected for a pathogenic variant. This missense change has been observed in individual(s) with chronic pancreatitis (PMID: 18059268). An algorithm developed to predict the effect of missense changes on protein structure and function outputs the following: PolyPhen-2: "Benign". The asparagine amino acid residue is found in multiple mammalian species, which suggests that this missense change does not adversely affect protein function. In summary, the available evidence is currently insufficient to determine the role of this variant in disease. Therefore, it has been classified as a Variant of Uncertain Significance.

Literature cited by the submitters: PubMed 22942235 (cited by Ambry Genetics); PubMed 18059268 (cited by Labcorp Genetics (formerly Invitae), Labcorp).

NM_007272.3(CTRC):c.778G>A (p.Asp260Asn)

Gene: CTRC (chymotrypsin C; plus strand). Cytogenetic location: 1p36.21.
Variant type: single nucleotide variant.
Coding change: c.778G>A on transcript NM_007272.3 (MANE Select); coding-DNA position 778, G replaced by A.
Protein change: p.Asp260Asn; replaces aspartic acid 260 with asparagine.
Molecular consequence: missense variant.
Genome position (GRCh38, 1-based): chr1:15,445,735, G>A. VCF-style: chr1-15445735-G-A. GRCh37 (hg19) VCF-style: chr1-15772230-G-A.
Other names: c.778G>A (NM_007272.2); short protein forms D260N.
Identifiers: ClinVar variation 3703028 (VCV003703028.3).